The following is an entry in ClinVar:

NM_024818.6(UBA5):c.-34C>T

Genes: NPHP3-ACAD11 (NPHP3-ACAD11 readthrough (NMD candidate); minus strand), UBA5 (ubiquitin like modifier activating enzyme 5; plus strand). Cytogenetic location: 3q22.1.
Variant type: single nucleotide variant.
Coding change: c.-34C>T on transcript NM_024818.6 (MANE Select); 34 bases upstream of the start codon, C replaced by T.
Molecular consequence: 5 prime UTR variant. On other transcripts: intron variant (1).
Genome position (GRCh38, 1-based): chr3:132,660,504, C>T. VCF-style: chr3-132660504-C-T. GRCh37 (hg19) VCF-style: chr3-132379348-C-T.
Other names: c.-552C>T (NM_001320210.2); c.-518C>T (NM_001321238.2); c.-234C>T (NM_001321239.1); c.-7-5319C>T (NM_198329.4).
Identifiers: ClinVar variation 2672961 (VCV002672961.23), dbSNP rs780764978, ClinGen allele CA2621235.
Genomic context (GRCh38, chr3:132,660,504, plus strand): 5'-CCCCACGTACCCCTCGCGGGCCCAGCCGAGCAACGTGGGGCGAAGGCGGCGGCGAAGGCC[C>T]GGGCTGGGAGCGTTGGCGGCCGGAGTCCCAGCCATGGCGGAGTCTGTGGAGCGCCTGCAG-3'

ClinVar aggregate classification (germline): Likely benign (1 of 4 stars; one submission).

Allele frequency attached by ClinVar (database versions not stated): ExAC 0.00013.
gnomAD v4.1: 86 of 1,545,036 alleles (0.0056%); highest among the groups gnomAD compares: Middle Eastern, 0.16%; no homozygotes.

Submission:

CeGaT Center for Human Genetics Tuebingen
Classification: Likely benign. Last evaluated: 2023-12-01. Review status: criteria provided, single submitter. Criteria: CeGaT Center For Human Genetics Tuebingen Variant Classification Criteria Version 2. Collection method: clinical testing. Allele origin: germline. Affected: yes. Observed: 1 variant allele.
Comment: UBA5: BP4, BP7